The following is an entry in ClinVar:

NM_000045.4(ARG1):c.227C>T (p.Ala76Val)

Genes: ARG1 (arginase 1; plus strand), MED23 (mediator complex subunit 23; minus strand). Cytogenetic location: 6q23.2.
Variant type: single nucleotide variant.
Coding change: c.227C>T on transcript NM_000045.4 (MANE Select); coding-DNA position 227, C replaced by T.
Protein change: p.Ala76Val; replaces alanine 76 with valine.
Molecular consequence: missense variant. On other transcripts: non-coding transcript variant (1), intron variant (2).
Genome position (GRCh38, 1-based): chr6:131,579,207, C>T. VCF-style: chr6-131579207-C-T. GRCh37 (hg19) VCF-style: chr6-131900347-C-T.
Other names: c.251C>T, p.Ala84Val (NM_001244438.2); c.227C>T, p.Ala76Val (NM_001369020.1); c.4078-4912G>A (NM_001270521.2); c.4096-4912G>A (NM_015979.4); short protein forms A76V, A84V.
Identifiers: ClinVar variation 4071751 (VCV004071751.1).

ClinVar aggregate classification (germline): Uncertain significance (1 of 4 stars; one submission).

Submission:

GeneDx
Classification: Uncertain significance. Last evaluated: 2025-01-24. Review status: criteria provided, single submitter. Criteria: GeneDx Variant Classification Process June 2021. Collection method: clinical testing. Allele origin: germline. Affected: yes.
Comment: Not observed at significant frequency in large population cohorts (gnomAD); In silico analysis indicates that this missense variant does not alter protein structure/function; Has not been previously published as pathogenic or benign to our knowledge